The following is an entry in ClinVar:

ClinVar aggregate classification (germline): Uncertain significance. Review status: criteria provided, multiple submitters, no conflicts (2 of 4 stars). 2 submissions from 2 submitters: Uncertain significance (2). Last evaluated 2025-07-30.

Conditions:
HTRA1-related disorder. Also called: HTRA1-related condition.

Allele frequency attached by ClinVar (database versions not stated): gnomAD exomes 0.00004 and 0.00006; ExAC 0.00008; gnomAD 0.00008 and 0.00009; TOPMed 0.00012; ESP Exome Variant Server 0.00015.
gnomAD v4.1: 67 of 1,613,666 alleles (0.0042%); highest among the groups gnomAD compares: Middle Eastern, 0.017%; no homozygotes.

Submissions (2):

Labcorp Genetics (formerly Invitae), Labcorp
Classification: Uncertain significance. Last evaluated: 2025-07-30. Review status: criteria provided, single submitter. Criteria: Invitae Variant Classification Sherloc (09022015). Collection method: clinical testing. Allele origin: germline.
Comment: This sequence change replaces arginine, which is basic and polar, with tryptophan, which is neutral and slightly polar, at codon 401 of the HTRA1 protein (p.Arg401Trp). This variant is present in population databases (rs148323503, gnomAD 0.02%). This variant has not been reported in the literature in individuals affected with HTRA1-related conditions. ClinVar contains an entry for this variant (Variation ID: 1368404). Invitae Evidence Modeling of protein sequence and biophysical properties (such as structural, functional, and spatial information, amino acid conservation, physicochemical variation, residue mobility, and thermodynamic stability) indicates that this missense variant is expected to disrupt HTRA1 protein function with a positive predictive value of 95%. In summary, the available evidence is currently insufficient to determine the role of this variant in disease. Therefore, it has been classified as a Variant of Uncertain Significance.

PreventionGenetics, part of Exact Sciences
Classification: Uncertain significance for HTRA1-related condition. Last evaluated: 2024-12-11. Review status: criteria provided, single submitter. Criteria: ACMG Guidelines, 2015. Collection method: clinical testing. Allele origin: germline.
Comment: The HTRA1 c.1201C>T variant is predicted to result in the amino acid substitution p.Arg401Trp. To our knowledge, this variant has not been reported in the literature. This variant is reported in 0.016% of alleles in individuals of African descent in gnomAD. At this time, the clinical significance of this variant is uncertain due to the absence of conclusive functional and genetic evidence.

NM_002775.5(HTRA1):c.1201C>T (p.Arg401Trp)

Gene: HTRA1 (HtrA serine peptidase 1; plus strand). Cytogenetic location: 10q26.13.
Variant type: single nucleotide variant.
Coding change: c.1201C>T on transcript NM_002775.5 (MANE Select); coding-DNA position 1201, C replaced by T.
Protein change: p.Arg401Trp; replaces arginine 401 with tryptophan.
Molecular consequence: missense variant.
Genome position (GRCh38, 1-based): chr10:122,511,992, C>T. VCF-style: chr10-122511992-C-T. GRCh37 (hg19) VCF-style: chr10-124271508-C-T.
Other names: c.1201C>T (NM_002775.4); short protein forms R401W.
Identifiers: ClinVar variation 1368404 (VCV001368404.7), dbSNP rs148323503, ClinGen allele CA5726103.
Genomic context (GRCh38, chr10:122,511,992, plus strand): 5'-TTCTTCACACTAACACGGGTGCTTTTTCTCTGGAGCAGCAAAGCCAAAGAGCTGAAGGAC[C>T]GGCACCGGGACTTCCCAGACGTGATCTCAGGAGCGTATATAATTGAAGTAATTCCTGATA-3'
Protein context (NP_002766.1, residues 391-411): TSSKAKELKD[Arg401Trp]HRDFPDVISG